The following is an entry in ClinVar:

ClinVar aggregate classification (germline): Uncertain significance. Review status: criteria provided, multiple submitters, no conflicts (2 of 4 stars). 3 submissions from 3 submitters: Uncertain significance (3). Last evaluated 2024-05-20.

Conditions:
Joubert syndrome. Also called: CEREBELLOPARENCHYMAL DISORDER IV; JOUBERT-BOLTSHAUSER SYNDROME; Familial aplasia of the vermis. Identifiers: Orphanet 475, MedGen C5979921, MONDO:0018772.
Joubert syndrome 3 (JBTS3). Also called: AHI1-related Ciliopathy. Identifiers: Orphanet 220493, MedGen C1837713, MONDO:0012078, OMIM 608629.

Allele frequency attached by ClinVar (database versions not stated): gnomAD 0.00001.
gnomAD v4.1: 26 of 1,613,426 alleles (0.0016%); highest among the groups gnomAD compares: Non-Finnish European, 0.0022%; 1 homozygote.

Submissions (3):

Fulgent Genetics
Classification: Uncertain significance for Joubert syndrome 3. Last evaluated: 2024-05-20. Review status: criteria provided, single submitter. Criteria: ACMG Guidelines, 2015. Collection method: clinical testing. Allele origin: germline.

GeneDx
Classification: Uncertain significance. Last evaluated: 2023-03-01. Review status: criteria provided, single submitter. Criteria: GeneDx Variant Classification Process June 2021. Collection method: clinical testing. Allele origin: germline. Affected: yes.
Comment: Not observed at significant frequency in large population cohorts (gnomAD); In silico analysis supports that this missense variant does not alter protein structure/function; Has not been previously published as pathogenic or benign to our knowledge; This variant is associated with the following publications: (PMID: 15467982)

Labcorp Genetics (formerly Invitae), Labcorp
Classification: Uncertain significance for Joubert syndrome. Last evaluated: 2022-09-27. Review status: criteria provided, single submitter. Criteria: Invitae Variant Classification Sherloc (09022015). Collection method: clinical testing. Allele origin: germline.
Comment: This sequence change replaces threonine, which is neutral and polar, with isoleucine, which is neutral and non-polar, at codon 1063 of the AHI1 protein (p.Thr1063Ile). This variant is present in population databases (rs375281757, gnomAD 0.008%). This variant has not been reported in the literature in individuals affected with AHI1-related conditions. Advanced modeling of protein sequence and biophysical properties (such as structural, functional, and spatial information, amino acid conservation, physicochemical variation, residue mobility, and thermodynamic stability) performed at Invitae indicates that this missense variant is not expected to disrupt AHI1 protein function. In summary, the available evidence is currently insufficient to determine the role of this variant in disease. Therefore, it has been classified as a Variant of Uncertain Significance.

NM_001134831.2(AHI1):c.3188C>T (p.Thr1063Ile)

Gene: AHI1 (Abelson helper integration site 1; minus strand). Cytogenetic location: 6q23.3.
Variant type: single nucleotide variant.
Coding change: c.3188C>T on transcript NM_001134831.2 (MANE Select); coding-DNA position 3188, C replaced by T.
Protein change: p.Thr1063Ile; replaces threonine 1063 with isoleucine.
Molecular consequence: missense variant.
Genome position (GRCh38, 1-based): chr6:135,323,302, G>A on the plus strand (C>T on the coding strand, the complement: AHI1 is on the minus strand). VCF-style: chr6-135323302-G-A. GRCh37 (hg19) VCF-style: chr6-135644440-G-A.
Other names: c.3188C>T, p.Thr1063Ile (NM_001134830.2, NM_001350503.2, NM_001350504.2 and 1 more transcripts); c.3188C>T (NM_017651.4); short protein forms T1063I.
Identifiers: ClinVar variation 2157186 (VCV002157186.3), dbSNP rs375281757, ClinGen allele CA4012082.